The following is an entry in ClinVar:

ClinVar aggregate classification (germline): Uncertain significance (1 of 4 stars; one submission).

Conditions:
Familial hemiplegic migraine. Identifiers: MedGen C0338484, MONDO:0000700.

Allele frequency attached by ClinVar (database versions not stated): gnomAD exomes below 0.00001.
gnomAD v4.1: 1 of 1,614,156 alleles (0.000062%); highest among the groups gnomAD compares: Non-Finnish European, 0.000085%; no homozygotes.

Submission:

Labcorp Genetics (formerly Invitae), Labcorp
Classification: Uncertain significance for Familial hemiplegic migraine. Last evaluated: 2019-10-14. Review status: criteria provided, single submitter. Criteria: Invitae Variant Classification Sherloc (09022015). Collection method: clinical testing. Allele origin: germline.
Comment: This variant is not present in population databases (ExAC no frequency). This sequence change replaces serine with leucine at codon 373 of the ATP1A2 protein (p.Ser373Leu). The serine residue is highly conserved and there is a large physicochemical difference between serine and leucine. This variant has not been reported in the literature in individuals with ATP1A2-related conditions. In summary, the available evidence is currently insufficient to determine the role of this variant in disease. Therefore, it has been classified as a Variant of Uncertain Significance. Algorithms developed to predict the effect of missense changes on protein structure and function (SIFT, PolyPhen-2, Align-GVGD) all suggest that this variant is likely to be disruptive, but these predictions have not been confirmed by published functional studies and their clinical significance is uncertain.

NM_000702.4(ATP1A2):c.1118C>T (p.Ser373Leu)

Gene: ATP1A2 (ATPase Na+/K+ transporting subunit alpha 2; plus strand). Cytogenetic location: 1q23.2.
Variant type: single nucleotide variant.
Coding change: c.1118C>T on transcript NM_000702.4 (MANE Select); coding-DNA position 1118, C replaced by T.
Protein change: p.Ser373Leu; replaces serine 373 with leucine.
Molecular consequence: missense variant.
Genome position (GRCh38, 1-based): chr1:160,128,752, C>T. VCF-style: chr1-160128752-C-T. GRCh37 (hg19) VCF-style: chr1-160098542-C-T.
Other names: short protein forms S373L.
Identifiers: ClinVar variation 945815 (VCV000945815.9), dbSNP rs1651665360, ClinGen allele CA343239450.
Genomic context (GRCh38, chr1:160,128,752, plus strand): 5'-ACTGCCTGGTGAAGAACCTGGAGGCGGTGGAGACGCTGGGCTCCACGTCCACCATCTGCT[C>T]GGACAAGACGGGCACCCTCACCCAGAACCGCATGACCGTCGCCCACATGTGGTTCGACAA-3'
Protein context (NP_000693.1, residues 363-383): ETLGSTSTIC[Ser373Leu]DKTGTLTQNR